The following is an entry in ClinVar:

NM_001166108.2(PALLD):c.372G>T (p.Met124Ile)

Gene: PALLD (palladin, cytoskeletal associated protein; plus strand). Cytogenetic location: 4q32.3.
Variant type: single nucleotide variant.
Coding change: c.372G>T on transcript NM_001166108.2 (MANE Select); coding-DNA position 372, G replaced by T.
Protein change: p.Met124Ile; replaces methionine 124 with isoleucine.
Molecular consequence: missense variant.
Genome position (GRCh38, 1-based): chr4:168,511,876, G>T. VCF-style: chr4-168511876-G-T. GRCh37 (hg19) VCF-style: chr4-169433027-G-T.
Other names: c.372G>T, p.Met124Ile (NM_016081.4); short protein forms M124I.
Identifiers: ClinVar variation 1734383 (VCV001734383.3), dbSNP rs1381989372, ClinGen allele CA358725628.

ClinVar aggregate classification (germline): Uncertain significance (1 of 4 stars; one submission).

Submission:

Ambry Genetics
Classification: Uncertain significance. Last evaluated: 2024-04-04. Review status: criteria provided, single submitter. Criteria: Ambry Variant Classification Scheme 2023. Collection method: clinical testing. Allele origin: germline.
Comment: The p.M124I variant (also known as c.372G>T), located in coding exon 1 of the PALLD gene, results from a G to T substitution at nucleotide position 372. The methionine at codon 124 is replaced by isoleucine, an amino acid with highly similar properties. This amino acid position is conserved. In addition, this alteration is predicted to be tolerated by in silico analysis. Since supporting evidence is limited at this time, the clinical significance of this alteration remains unclear.